The following is an entry in ClinVar:

NM_000257.4(MYH7):c.3564T>C (p.Thr1188=)

Gene: MYH7 (myosin heavy chain 7; minus strand). Cytogenetic location: 14q11.2.
Variant type: single nucleotide variant.
Coding change: c.3564T>C on transcript NM_000257.4 (MANE Select); coding-DNA position 3564, T replaced by C.
Protein change: p.Thr1188=; no amino-acid change (threonine 1188 retained).
Molecular consequence: synonymous variant.
Genome position (GRCh38, 1-based): chr14:23,420,007, A>G on the plus strand (T>C on the coding strand, the complement: MYH7 is on the minus strand). VCF-style: chr14-23420007-A-G. GRCh37 (hg19) VCF-style: chr14-23889216-A-G.
Identifiers: ClinVar variation 138378 (VCV000138378.37), dbSNP rs45587932, ClinGen allele CA013805.
Genomic context (GRCh38, chr14:23,420,007, plus strand): 5'-GTCGATCTGCTCGCCCAGCTCGGCCACGCTGTCGGCGTGCTTCTTGCGCAGGGCCGCGGC[A>G]GTGGCCTCGTGCTGCAGCGTGGCCTCCTCCAGGTCCCGCCGCATCTTCTGGAACTCGGCC-3'
Protein context (NP_000248.2, residues 1178-1198): LEEATLQHEA[Thr1188=]AAALRKKHAD

ClinVar aggregate classification (germline): Benign/Likely benign. Review status: criteria provided, multiple submitters, no conflicts (2 of 4 stars). 11 submissions from 8 submitters: Benign (2); Likely benign (9). Last evaluated 2026-05-01.

Conditions:
Myosin storage myopathy (CMYO7A). Also called: Scapuloperoneal myopathy, MYH7-related; MYOPATHY WITH LYSIS OF TYPE I MYOFIBRILS; MYH7-related late-onset scapuloperoneal muscular dystrophy; Congenital myopathy 7A, myosin storage, autosomal dominant; SCAPULOPERONEAL MUSCULAR DYSTROPHY; SCAPULOPERONEAL SYNDROME, MYOPATHIC TYPE. Identifiers: Orphanet 437572, Orphanet 636965, MedGen C1842160, MONDO:0008409, OMIM 608358.
Cardiovascular phenotype. Identifiers: MedGen CN230736.
Cardiomyopathy (CMYO). Also called: Cardiomyopathies. Identifiers: Orphanet 167848, MedGen C0878544, MONDO:0004994, HP:0001638. Inheritance: Various modes of inheritance.
Hypertrophic cardiomyopathy 1 (CMH1). Also called: Familial hypertrophic cardiomyopathy 1; MYH7-Related Familial Hypertrophic Cardiomyopathy. Identifiers: MedGen C3495498, MONDO:0008647, OMIM 192600.
MYH7-related skeletal myopathy. Also called: MYOPATHY, DISTAL, EARLY-ONSET, AUTOSOMAL DOMINANT; MYOPATHY, LATE DISTAL HEREDITARY; Laing early-onset distal myopathy; Laing distal myopathy; Myopathy, distal, 1. Identifiers: Orphanet 59135, MedGen C4552004, MONDO:0008050, OMIM 160500.
Dilated cardiomyopathy 1S (CMD1S). Identifiers: Orphanet 154, Orphanet 54260, MedGen C1834481, MONDO:0013262, OMIM 613426.
Hypertrophic cardiomyopathy. Also called: HYPERTROPHIC MYOCARDIOPATHY. Identifiers: Orphanet 217569, MedGen C0007194, MeSH D002312, MONDO:0005045, HP:0001639.

Allele frequency attached by ClinVar (database versions not stated): TOPMed 0.00007; gnomAD 0.00009 and 0.00016; gnomAD exomes 0.00023 and 0.00039; 1000 Genomes Project 30x 0.00031; ExAC 0.00060.
gnomAD v4.1: 359 of 1,591,628 alleles (0.023%); highest among the groups gnomAD compares: South Asian, 0.23%; 3 homozygotes.

Submissions (11):

CeGaT Center for Human Genetics Tuebingen
Classification: Likely benign. Last evaluated: 2026-05-01. Review status: criteria provided, single submitter. Criteria: CeGaT Center For Human Genetics Tuebingen Variant Classification Criteria Version 2. Collection method: clinical testing. Allele origin: germline. Affected: yes. Observed: 2 variant alleles.
Comment: MYH7: BP4, BP7

Labcorp Genetics (formerly Invitae), Labcorp
Classification: Likely benign for Hypertrophic cardiomyopathy. Last evaluated: 2026-01-31. Review status: criteria provided, single submitter. Criteria: Invitae Variant Classification Sherloc (09022015). Collection method: clinical testing. Allele origin: germline.

Molecular Diagnostic Laboratory for Inherited Cardiovascular Disease, Montreal Heart Institute
Classification: Likely benign. Last evaluated: 2025-04-09. Review status: criteria provided, single submitter. Criteria: ACMG Guidelines, 2015. Collection method: clinical testing. Allele origin: germline. Affected: no.

Blueprint Genetics
Classification: Likely benign. Last evaluated: 2024-10-25. Review status: criteria provided, single submitter. Criteria: ACMG Guidelines, 2015. Collection method: clinical testing. Allele origin: germline.

Ambry Genetics
Classification: Likely benign for Cardiovascular phenotype. Last evaluated: 2020-07-27. Review status: criteria provided, single submitter. Criteria: Ambry Variant Classification Scheme 2023. Collection method: clinical testing. Allele origin: germline.

Color Diagnostics, LLC DBA Color Health
Classification: Benign for Cardiomyopathy. Last evaluated: 2018-07-20. Review status: criteria provided, single submitter. Criteria: ACMG Guidelines, 2015. Collection method: clinical testing. Allele origin: germline.

Illumina Laboratory Services, Illumina
Classification: Likely benign for Hypertrophic cardiomyopathy 1. Last evaluated: 2018-04-16. Review status: criteria provided, single submitter. Criteria: ICSL Variant Classification Criteria 13 December 2019. Collection method: clinical testing. Allele origin: germline.
Comment: This variant was observed as part of a predisposition screen in an ostensibly healthy population. A literature search was performed for the gene, cDNA change, and amino acid change (where applicable). No publications were found based on this search. Allele frequency data from public databases allowed determination this variant is unlikely to cause disease. Therefore, this variant is classified as likely benign.

Illumina Laboratory Services, Illumina
Classification: Likely benign for Dilated cardiomyopathy 1S. Last evaluated: 2018-04-16. Review status: criteria provided, single submitter. Criteria: ICSL Variant Classification Criteria 13 December 2019. Collection method: clinical testing. Allele origin: germline.
Comment: the same text as in the submission from Illumina Laboratory Services, Illumina above.

Illumina Laboratory Services, Illumina
Classification: Likely benign for Myosin storage myopathy. Last evaluated: 2018-04-16. Review status: criteria provided, single submitter. Criteria: ICSL Variant Classification Criteria 13 December 2019. Collection method: clinical testing. Allele origin: germline.
Comment: the same text as in the submission from Illumina Laboratory Services, Illumina above.

Illumina Laboratory Services, Illumina
Classification: Likely benign for MYH7-related skeletal myopathy. Last evaluated: 2018-04-16. Review status: criteria provided, single submitter. Criteria: ICSL Variant Classification Criteria 13 December 2019. Collection method: clinical testing. Allele origin: germline.
Comment: the same text as in the submission from Illumina Laboratory Services, Illumina above.

GeneDx
Classification: Benign. Last evaluated: 2014-01-28. Review status: criteria provided, single submitter. Criteria: GeneDx Variant Classification (06012015). Collection method: clinical testing. Allele origin: germline. Affected: yes.
Comment: This variant is considered likely benign or benign based on one or more of the following criteria: it is a conservative change, it occurs at a poorly conserved position in the protein, it is predicted to be benign by multiple in silico algorithms, and/or has population frequency not consistent with disease.